The following is an entry in ClinVar:

NM_001378414.1(HDAC4):c.3248_3249delinsA (p.Met1083fs)

Gene: HDAC4 (histone deacetylase 4; minus strand). Cytogenetic location: 2q37.3.
Variant type: Indel.
Coding change: c.3248_3249delinsA on transcript NM_001378414.1 (MANE Select); coding-DNA positions 3248 to 3249, TG replaced by A.
Protein change: p.Met1083fs; shifts the reading frame from methionine 1083.
Molecular consequence: frameshift variant.
Genome position (GRCh38, 1-based): chr2:239,053,118-239,053,119, CA replaced by T on the plus strand (TG replaced by A on the coding strand, the reverse complement: HDAC4 is on the minus strand). VCF-style: chr2-239053118-CA-T. GRCh37 (hg19) VCF-style: chr2-239974814-CA-T.
Other names: c.3248_3249delinsA, p.Met1083fs (NM_001378415.1); c.3233_3234delinsA, p.Met1078fs (NM_001378416.1, NM_001378417.1, NM_006037.4); short protein forms M1078fs, M1083fs.
Identifiers: ClinVar variation 3364686 (VCV003364686.1).

ClinVar aggregate classification (germline): Uncertain significance (1 of 4 stars; one submission).

Submission:

GeneDx
Classification: Uncertain significance. Last evaluated: 2023-11-18. Review status: criteria provided, single submitter. Criteria: GeneDx Variant Classification Process June 2021. Collection method: clinical testing. Allele origin: germline. Affected: yes.
Comment: Not observed at significant frequency in large population cohorts (gnomAD); Frameshift variant predicted to result in abnormal protein length as the last 7 amino acids are replaced with 123 different amino acids; Has not been previously published as pathogenic or benign to our knowledge